The following is an entry in ClinVar:

NM_033305.3(VPS13A):c.1643del (p.Asn548fs)

Gene: VPS13A (vacuolar protein sorting 13 homolog A; plus strand). Cytogenetic location: 9q21.2.
Variant type: Deletion.
Coding change: c.1643del on transcript NM_033305.3 (MANE Select); coding-DNA position 1643, one base deleted (A; older notation c.1643delA).
Protein change: p.Asn548fs; shifts the reading frame from asparagine 548.
Molecular consequence: frameshift variant.
Genome position (GRCh38, 1-based): chr9:77,238,049, A deleted; the last of 2 consecutive A bases (chr9:77,238,048-77,238,049); deleting either gives the same sequence. VCF-style (leftmost placement, unchanged base first): chr9-77238047-TA-T. GRCh37 (hg19) VCF-style: chr9-79852963-TA-T.
Other names: c.1643del, p.Asn548fs (NM_001018038.3, NM_015186.4, NM_001018037.2); short protein forms N548fs.
Identifiers: ClinVar variation 4816381 (VCV004816381.1).

ClinVar aggregate classification (germline): Likely pathogenic (1 of 4 stars; one submission).

Conditions:
VPS13A-related neurodegenerative disease. Also called: LEVINE-CRITCHLEY SYNDROME; Choreoacanthocytosis; Chorea-acanthocytosis; ACANTHOCYTOSIS WITH NEUROLOGIC DISORDER; VPS13A Disease; Choreaacanthocytosis. Identifiers: Orphanet 2388, MedGen C0393576, MONDO:0008695, OMIM 200150.

Submission:

Natera, Inc.
Classification: Likely pathogenic for Choreaacanthocytosis. Last evaluated: 2025-02-03. Review status: criteria provided, single submitter. Criteria: Natera Variant Classification Schema (03/2026). Collection method: clinical testing. Allele origin: germline.
Comment: The c.1643delA variant in VPS13A is a frameshift variant predicted to shift the reading frame beginning at codon 548 and leads to a stop codon 24 codons downstream. This variant is expected to result in nonsense mediated decay, truncation, or a dysfunctional protein product. This variant is rare in the general population with a frequency below the threshold expected for the associated phenotype(s). Given the available evidence, this variant is classified as Likely Pathogenic.